The following is an entry in ClinVar:

NM_032578.4(MYPN):c.2195C>T (p.Thr732Ile)

Gene: MYPN (myopalladin; plus strand). Cytogenetic location: 10q21.3.
Variant type: single nucleotide variant.
Coding change: c.2195C>T on transcript NM_032578.4 (MANE Select); coding-DNA position 2195, C replaced by T.
Protein change: p.Thr732Ile; replaces threonine 732 with isoleucine.
Molecular consequence: missense variant. On other transcripts: non-coding transcript variant (2).
Genome position (GRCh38, 1-based): chr10:68,174,287, C>T. VCF-style: chr10-68174287-C-T. GRCh37 (hg19) VCF-style: chr10-69934044-C-T.
Other names: c.2195C>T, p.Thr732Ile (NM_001256267.2); c.1313C>T, p.Thr438Ile (NM_001256268.2); short protein forms T438I, T732I.
Identifiers: ClinVar variation 1787474 (VCV001787474.2), dbSNP rs767017359, ClinGen allele CA5522752.

ClinVar aggregate classification (germline): Uncertain significance (1 of 4 stars; one submission).

Conditions:
Cardiovascular phenotype. Identifiers: MedGen CN230736.

Allele frequency attached by ClinVar (database versions not stated): gnomAD exomes below 0.00001; ExAC 0.00001; gnomAD 0.00001; TOPMed 0.00001.
gnomAD v4.1: 3 of 1,614,046 alleles (0.00019%); highest among the groups gnomAD compares: Non-Finnish European, 0.00025%; no homozygotes.

Submission:

Ambry Genetics
Classification: Uncertain significance for Cardiovascular phenotype. Last evaluated: 2022-06-14. Review status: criteria provided, single submitter. Criteria: Ambry Variant Classification Scheme 2023. Collection method: clinical testing. Allele origin: germline.
Comment: The p.T732I variant (also known as c.2195C>T), located in coding exon 10 of the MYPN gene, results from a C to T substitution at nucleotide position 2195. The threonine at codon 732 is replaced by isoleucine, an amino acid with similar properties. This amino acid position is conserved. In addition, this alteration is predicted to be tolerated by in silico analysis. Since supporting evidence is limited at this time, the clinical significance of this alteration remains unclear.